The following is an entry in ClinVar:

NM_001303052.2(MYT1L):c.1121G>A (p.Arg374Lys)

Gene: MYT1L (myelin transcription factor 1 like; minus strand). Cytogenetic location: 2p25.3.
Variant type: single nucleotide variant.
Coding change: c.1121G>A on transcript NM_001303052.2 (MANE Select); coding-DNA position 1121, G replaced by A.
Protein change: p.Arg374Lys; replaces arginine 374 with lysine.
Molecular consequence: missense variant.
Genome position (GRCh38, 1-based): chr2:1,922,648, C>T on the plus strand (G>A on the coding strand, the complement: MYT1L is on the minus strand). VCF-style: chr2-1922648-C-T. GRCh37 (hg19) VCF-style: chr2-1926420-C-T.
Other names: c.1121G>A, p.Arg374Lys (NM_001329844.2, NM_001329845.1, NM_001329846.3 and 6 more transcripts); short protein forms R374K.
Identifiers: ClinVar variation 2573574 (VCV002573574.1), dbSNP rs2550916937, ClinGen allele CA345704865.

ClinVar aggregate classification (germline): Uncertain significance (1 of 4 stars; one submission).

Submission:

Women's Health and Genetics/Laboratory Corporation of America, LabCorp
Classification: Uncertain significance. Last evaluated: 2023-06-14. Review status: criteria provided, single submitter. Criteria: LabCorp Variant Classification Summary - May 2015. Collection method: clinical testing. Allele origin: germline.
Comment: Variant summary: MYT1L c.1121G>A (p.Arg374Lys) results in a conservative amino acid change in the encoded protein sequence. Three of five in-silico tools predict a benign effect of the variant on protein function. The variant was absent in 248814 control chromosomes. The available data on variant occurrences in the general population are insufficient to allow any conclusion about variant significance. To our knowledge, no occurrence of c.1121G>A in individuals affected with Mental Retardation, Autosomal Dominant 39 and no experimental evidence demonstrating its impact on protein function have been reported. No clinical diagnostic laboratories have submitted clinical-significance assessments for this variant to ClinVar after 2014. Based on the evidence outlined above, the variant was classified as uncertain significance.